The following is an entry in ClinVar:

NM_017534.6(MYH2):c.1879G>T (p.Ala627Ser)

Genes: MYHAS (myosin heavy chain gene cluster antisense RNA; plus strand), MYH2 (myosin heavy chain 2; minus strand). Cytogenetic location: 17p13.1.
Variant type: single nucleotide variant.
Coding change: c.1879G>T on transcript NM_017534.6 (MANE Select); coding-DNA position 1879, G replaced by T.
Protein change: p.Ala627Ser; replaces alanine 627 with serine.
Molecular consequence: missense variant.
Genome position (GRCh38, 1-based): chr17:10,537,251, C>A on the plus strand (G>T on the coding strand, the complement: MYH2 is on the minus strand). VCF-style: chr17-10537251-C-A. GRCh37 (hg19) VCF-style: chr17-10440568-C-A.
Other names: c.1879G>T, p.Ala627Ser (NM_001100112.2); short protein forms A627S.
Identifiers: ClinVar variation 465924 (VCV000465924.8), dbSNP rs778516827, ClinGen allele CA8391283.

ClinVar aggregate classification (germline): Uncertain significance. Review status: criteria provided, multiple submitters, no conflicts (2 of 4 stars). 2 submissions from 2 submitters: Uncertain significance (2). Last evaluated 2025-12-09.

Conditions:
Myopathy, proximal, and ophthalmoplegia (CMYO6). Also called: INCLUSION BODY MYOPATHY 3, AUTOSOMAL DOMINANT; CONGENITAL MYOPATHY 6 WITH OPHTHALMOPLEGIA; MYOPATHY WITH CONGENITAL JOINT CONTRACTURES, OPHTHALMOPLEGIA, AND RIMMED VACUOLES. Identifiers: Orphanet 363677, Orphanet 79091, MedGen C1854106, MONDO:0011577, OMIM 605637.

Allele frequency attached by ClinVar (database versions not stated): gnomAD 0.00001; ExAC 0.00002; gnomAD exomes 0.00002; TOPMed 0.00002.
gnomAD v4.1: 27 of 1,614,078 alleles (0.0017%); highest among the groups gnomAD compares: Non-Finnish European, 0.0023%; no homozygotes.

Submissions (2):

Labcorp Genetics (formerly Invitae), Labcorp
Classification: Uncertain significance for Myopathy, proximal, and ophthalmoplegia. Last evaluated: 2025-12-09. Review status: criteria provided, single submitter. Criteria: Invitae Variant Classification Sherloc (09022015). Collection method: clinical testing. Allele origin: germline.
Comment: This sequence change replaces alanine, which is neutral and non-polar, with serine, which is neutral and polar, at codon 627 of the MYH2 protein (p.Ala627Ser). This variant is present in population databases (rs778516827, gnomAD 0.005%). This variant has not been reported in the literature in individuals affected with MYH2-related conditions. ClinVar contains an entry for this variant (Variation ID: 465924). Invitae Evidence Modeling of protein sequence and biophysical properties (such as structural, functional, and spatial information, amino acid conservation, physicochemical variation, residue mobility, and thermodynamic stability) indicates that this missense variant is not expected to disrupt MYH2 protein function with a negative predictive value of 80%. In summary, the available evidence is currently insufficient to determine the role of this variant in disease. Therefore, it has been classified as a Variant of Uncertain Significance.

Revvity Omics, Revvity
Classification: Uncertain significance for Myopathy, proximal, and ophthalmoplegia. Last evaluated: 2019-06-11. Review status: criteria provided, single submitter. Criteria: ACMG Guidelines, 2015. Collection method: clinical testing. Allele origin: germline.